The following is an entry in ClinVar:

ClinVar aggregate classification (germline): Conflicting classifications of pathogenicity. Review status: criteria provided, conflicting classifications (1 of 4 stars). 3 submissions from 3 submitters: Uncertain significance (2); Likely benign (1). Last evaluated 2024-01-19.

Conditions:
Hereditary cancer-predisposing syndrome. Also called: Neoplastic Syndromes, Hereditary; Tumor predisposition; Hereditary Cancer Syndrome; Hereditary neoplastic syndrome. Identifiers: Orphanet 140162, MedGen C0027672, MeSH D009386, MONDO:0015356.
Hereditary breast ovarian cancer syndrome. Also called: Hereditary breast and ovarian cancer syndrome; Hereditary breast and ovarian cancer; Breast and ovarian cancer; Hereditary breast and ovarian cancer syndrome (HBOC); Hereditary breast and/or ovarian cancer syndrome; BRCA1- and BRCA2-Associated Hereditary Breast and Ovarian Cancer. Identifiers: Orphanet 145, MedGen C0677776, MeSH D061325, MONDO:0003582. Disease mechanism: loss of function.

Submissions (3):

Labcorp Genetics (formerly Invitae), Labcorp
Classification: Uncertain significance for Hereditary breast ovarian cancer syndrome. Last evaluated: 2024-01-19. Review status: criteria provided, single submitter. Criteria: Invitae Variant Classification Sherloc (09022015). Collection method: clinical testing. Allele origin: germline.
Comment: This sequence change replaces proline, which is neutral and non-polar, with serine, which is neutral and polar, at codon 1224 of the BRCA1 protein (p.Pro1224Ser). This variant is not present in population databases (gnomAD no frequency). This variant has not been reported in the literature in individuals affected with BRCA1-related conditions. ClinVar contains an entry for this variant (Variation ID: 1733790). Advanced modeling of protein sequence and biophysical properties (such as structural, functional, and spatial information, amino acid conservation, physicochemical variation, residue mobility, and thermodynamic stability) performed at Invitae indicates that this missense variant is not expected to disrupt BRCA1 protein function with a negative predictive value of 95%. In summary, the available evidence is currently insufficient to determine the role of this variant in disease. Therefore, it has been classified as a Variant of Uncertain Significance.

University of Washington Department of Laboratory Medicine, University of Washington
Classification: Likely benign for Hereditary cancer-predisposing syndrome. Last evaluated: 2023-03-23. Review status: criteria provided, single submitter. Criteria: Dines et al. (Genet Med. 2020). Collection method: curation. Allele origin: germline.
Comment: Missense variant in a coldspot region where missense variants are very unlikely to be pathogenic (PMID:31911673).

BRCA1 coldspot (exon 11 using historical exon numbering). Reclassification based on statistical prior probability

Ambry Genetics
Classification: Uncertain significance for Hereditary cancer-predisposing syndrome. Last evaluated: 2015-11-09. Review status: criteria provided, single submitter. Criteria: Ambry Variant Classification Scheme 2023. Collection method: clinical testing. Allele origin: germline.
Comment: The p.P1224S variant (also known as c.3670C>T), located in coding exon 9 of the BRCA1 gene, results from a C to T substitution at nucleotide position 3670. The proline at codon 1224 is replaced by serine, an amino acid with similar properties. This variant was not reported in population based cohorts in the following databases: Database of Single Nucleotide Polymorphisms (dbSNP), NHLBI Exome Sequencing Project (ESP), and 1000 Genomes Project. In the ESP, this variant was not observed in 6503 samples (13006 alleles) with coverage at this position. To date, this alteration has been detected with an allele frequency of approximately 0.0004% (greater than 225000 alleles tested) in our clinical cohort. This amino acid position is well conserved in available vertebrate species. In addition, this alteration is predicted to be benign and deleterious by PolyPhen and SIFT in silico analyses, respectively. Since supporting evidence is limited at this time, the clinical significance of p.P1224S remains unclear.

NM_007294.4(BRCA1):c.3670C>T (p.Pro1224Ser)

Genes: BRCA1 (BRCA1 DNA repair associated; minus strand), LOC126862571 (BRD4-independent group 4 enhancer GRCh37_chr17:41243136-41244335; plus strand). Cytogenetic location: 17q21.31.
Variant type: single nucleotide variant.
Coding change: c.3670C>T on transcript NM_007294.4 (MANE Select); coding-DNA position 3670, C replaced by T.
Protein change: p.Pro1224Ser; replaces proline 1224 with serine.
Molecular consequence: missense variant. On other transcripts: intron variant (135).
Genome position (GRCh38, 1-based): chr17:43,091,861, G>A on the plus strand (C>T on the coding strand, the complement: BRCA1 is on the minus strand). VCF-style: chr17-43091861-G-A. GRCh37 (hg19) VCF-style: chr17-41243878-G-A.
Other names: c.3544C>T, p.Pro1182Ser (NM_001407686.1, NM_001407691.1, NM_001407690.1 and 11 more transcripts); c.3457C>T, p.Pro1153Ser (NM_001407571.1, NM_001407853.1, NM_001407894.1 and 9 more transcripts); c.3670C>T, p.Pro1224Ser (NM_001407581.1, NM_001407582.1, NM_001407583.1 and 30 more transcripts); c.3667C>T, p.Pro1223Ser (NM_001407587.1, NM_001407590.1, NM_001407591.1 and 22 more transcripts); c.3661C>T, p.Pro1221Ser (NM_001407646.1, NM_001407647.1); c.3547C>T, p.Pro1183Ser (NM_001407648.1, NM_001407664.1, NM_001407665.1 and 19 more transcripts); c.3592C>T, p.Pro1198Ser (NM_001407653.1, NM_001407654.1, NM_001407655.1 and 4 more transcripts); c.3589C>T, p.Pro1197Ser (NM_001407659.1, NM_001407660.1, NM_001407661.1 and 1 more transcripts); and 41 more; short protein forms P1096S, P1097S, P1154S, P1177S, P356S, P1112S, P1113S, P1135S.
Identifiers: ClinVar variation 1733790 (VCV001733790.7), dbSNP rs2154295717, ClinGen allele CA10594628.
Genomic context (GRCh38, chr17:43,091,861, plus strand): 5'-GCCTAGTAGACTGAGAAGGTATATTGTTTACTTTACCAAATAACAAGTGTTGGAAGCAGG[G>A]AAGCTCTTCATCCTCACTAGATAAGTTCTCTTCTGAGGACTCTAATTTCTTGGCCCCTCT-3'
Protein context (NP_009225.1, residues 1214-1234): ENLSSEDEEL[Pro1224Ser]CFQHLLFGKV